The following is an entry in ClinVar:

ClinVar aggregate classification (germline): Pathogenic (1 of 4 stars; one submission).

Conditions:
Nemaline myopathy 2 (NEM2). Also called: Nemaline myopathy 2, autosomal recessive. Identifiers: MedGen C1850569, MONDO:0009725, OMIM 256030.

Submission:

Labcorp Genetics (formerly Invitae), Labcorp
Classification: Pathogenic for Nemaline myopathy 2. Last evaluated: 2022-06-15. Review status: criteria provided, single submitter. Criteria: Invitae Variant Classification Sherloc (09022015). Collection method: clinical testing. Allele origin: germline.
Comment: For these reasons, this variant has been classified as Pathogenic. This sequence change creates a premature translational stop signal (p.Tyr3384*) in the NEB gene. It is expected to result in an absent or disrupted protein product. Loss-of-function variants in NEB are known to be pathogenic (PMID: 25205138). This variant is not present in population databases (gnomAD no frequency). This variant has not been reported in the literature in individuals affected with NEB-related conditions.

Literature cited by the submitters: PubMed 25205138.

NM_001164508.2(NEB):c.10152C>A (p.Tyr3384Ter)

Gene: NEB (nebulin; minus strand). Cytogenetic location: 2q23.3.
Variant type: single nucleotide variant.
Coding change: c.10152C>A on transcript NM_001164508.2 (MANE Select); coding-DNA position 10152, C replaced by A.
Protein change: p.Tyr3384Ter; replaces tyrosine 3384 with a stop codon.
Molecular consequence: nonsense.
Genome position (GRCh38, 1-based): chr2:151,627,197, G>T on the plus strand (C>A on the coding strand, the complement: NEB is on the minus strand). VCF-style: chr2-151627197-G-T. GRCh37 (hg19) VCF-style: chr2-152483711-G-T.
Other names: c.10152C>A, p.Tyr3384Ter (NM_001164507.2, NM_001271208.2); c.9423C>A, p.Tyr3141Ter (NM_004543.5); short protein forms Y3141*, Y3384*.
Identifiers: ClinVar variation 2007246 (VCV002007246.4), dbSNP rs2552236321, ClinGen allele CA348793641.
Genomic context (GRCh38, chr2:151,627,197, plus strand): 5'-CACATCCATAGACCCAATGGGGACCCAGCCAATGCCTCTCAGCCACTGGAGATCAGATTT[G>T]TAAATGTTCTGGAGAGATTAAACACAAAAGCGAGTATTACTGAAGTTGTTTTAACATGAT-3'